The following is an entry in ClinVar:

ClinVar aggregate classification (germline): Benign/Likely benign. Review status: criteria provided, multiple submitters, no conflicts (2 of 4 stars). 5 submissions from 5 submitters: Benign (3); Likely benign (2). Last evaluated 2026-01-26.

Allele frequency attached by ClinVar (database versions not stated): gnomAD exomes 0.00119 and 0.00329; ExAC 0.00402; 1000 Genomes Project 0.01238; gnomAD 0.01305 and 0.01404; 1000 Genomes Project 30x 0.01312; ESP Exome Variant Server 0.01361; TOPMed 0.01470.
gnomAD v4.1: 3,788 of 1,613,870 alleles (0.23%); highest among the groups gnomAD compares: African/African-American, 4.4%; 96 homozygotes.

Submissions (5):

Labcorp Genetics (formerly Invitae), Labcorp
Classification: Benign. Last evaluated: 2026-01-26. Review status: criteria provided, single submitter. Criteria: Invitae Variant Classification Sherloc (09022015). Collection method: clinical testing. Allele origin: germline.

Mayo Clinic Laboratories, Mayo Clinic
Classification: Benign. Last evaluated: 2025-06-04. Review status: criteria provided, single submitter. Criteria: ACMG Guidelines, 2015. Collection method: clinical testing. Allele origin: germline. Observed: 17 variant alleles.
Comment: BS1, BS2, BP4_moderate

Center for Pediatric Genomic Medicine, Children's Mercy Hospital and Clinics
Classification: Likely benign. Last evaluated: 2017-04-19. Review status: criteria provided, single submitter. Criteria: ACMG Guidelines, 2015. Collection method: clinical testing. Allele origin: germline.

GeneDx
Classification: Benign. Last evaluated: 2016-03-15. Review status: criteria provided, single submitter. Criteria: GeneDx Variant Classification (06012015). Collection method: clinical testing. Allele origin: germline. Affected: yes.
Comment: This variant is considered likely benign or benign based on one or more of the following criteria: it is a conservative change, it occurs at a poorly conserved position in the protein, it is predicted to be benign by multiple in silico algorithms, and/or has population frequency not consistent with disease.

Breakthrough Genomics
Classification: Likely benign. Review status: criteria provided, single submitter. Criteria: ACMG Guidelines, 2015. Collection method: not provided. Allele origin: germline. Inheritance: Autosomal recessive inheritance. Affected: yes.

NM_020442.6(VARS2):c.1514C>T (p.Ser505Phe)

Gene: VARS2 (valyl-tRNA synthetase 2, mitochondrial; plus strand). Cytogenetic location: 6p21.33.
Variant type: single nucleotide variant.
Coding change: c.1514C>T on transcript NM_020442.6 (MANE Select); coding-DNA position 1514, C replaced by T.
Protein change: p.Ser505Phe; replaces serine 505 with phenylalanine.
Molecular consequence: missense variant.
Genome position (GRCh38, 1-based): chr6:30,921,099, C>T. VCF-style: chr6-30921099-C-T. GRCh37 (hg19) VCF-style: chr6-30888876-C-T.
Other names: p.Ser535Phe; c.1094C>T, p.Ser365Phe (NM_001167733.3); c.1604C>T, p.Ser535Phe (NM_001167734.2); short protein forms S505F, S535F, S365F.
Identifiers: ClinVar variation 381460 (VCV000381460.13), dbSNP rs61746524, ClinGen allele CA3705940.
Genomic context (GRCh38, chr6:30,921,099, plus strand): 5'-TTGTCTAAAGTCCCCTTTCTCTCCAGGCTGTGGAGTCGGGGGCCCTGGAGCTCAGTCCCT[C>T]CTTCCACCAGAAGAACTGGCAGCACTGGTTTTCCCATATTGGGTAAGGGTAGGGTAAGGG-3'
Protein context (NP_065175.4, residues 495-515): VESGALELSP[Ser505Phe]FHQKNWQHWF